The following is an entry in ClinVar:

ClinVar aggregate classification (germline): Uncertain significance. Review status: criteria provided, multiple submitters, no conflicts (2 of 4 stars). 4 submissions from 4 submitters: Uncertain significance (3). 1 of the submissions does not count toward it. Last evaluated 2025-11-26.

Conditions:
Polycystic kidney disease 4 (PKD4). Also called: PKD3; POLYCYSTIC KIDNEY AND HEPATIC DISEASE 1; POLYCYSTIC KIDNEY DISEASE, INFANTILE, TYPE I; POLYCYSTIC KIDNEY DISEASE 4 WITH OR WITHOUT POLYCYSTIC LIVER DISEASE; Autosomal Recessive Polycystic Kidney Disease – PKHD1. Identifiers: MedGen C4540575, MONDO:0033004, OMIM 263200.
Inborn genetic diseases. Identifiers: MedGen C0950123, MeSH D030342.
Autosomal recessive polycystic kidney disease (ARPKD). Also called: AR polycystic kidney disease. Identifiers: Orphanet 731, Orphanet 8378, MedGen C0085548, MeSH D017044, MONDO:0009889.

Allele frequency attached by ClinVar (database versions not stated): ExAC 0.00001; TOPMed 0.00001; gnomAD exomes 0.00002.
gnomAD v4.1: 4 of 1,613,388 alleles (0.00025%); highest among the groups gnomAD compares: Admixed American, 0.0067%; no homozygotes.

Submissions (4):

Ambry Genetics
Classification: Uncertain significance for Inborn genetic diseases. Last evaluated: 2025-11-26. Review status: criteria provided, single submitter. Criteria: Ambry Variant Classification Scheme 2023. Collection method: clinical testing. Allele origin: germline.

Labcorp Genetics (formerly Invitae), Labcorp
Classification: Uncertain significance for Autosomal recessive polycystic kidney disease. Last evaluated: 2022-08-16. Review status: criteria provided, single submitter. Criteria: Invitae Variant Classification Sherloc (09022015). Collection method: clinical testing. Allele origin: germline.
Comment: This sequence change replaces methionine, which is neutral and non-polar, with valine, which is neutral and non-polar, at codon 2786 of the PKHD1 protein (p.Met2786Val). This variant is present in population databases (rs762313489, gnomAD 0.01%). This variant has not been reported in the literature in individuals affected with PKHD1-related conditions. ClinVar contains an entry for this variant (Variation ID: 859139). Advanced modeling of protein sequence and biophysical properties (such as structural, functional, and spatial information, amino acid conservation, physicochemical variation, residue mobility, and thermodynamic stability) performed at Invitae indicates that this missense variant is not expected to disrupt PKHD1 protein function. Algorithms developed to predict the effect of sequence changes on RNA splicing suggest that this variant may create or strengthen a splice site. In summary, the available evidence is currently insufficient to determine the role of this variant in disease. Therefore, it has been classified as a Variant of Uncertain Significance.

Fulgent Genetics
Classification: Uncertain significance for Polycystic kidney disease 4. Last evaluated: 2021-11-06. Review status: criteria provided, single submitter. Criteria: ACMG Guidelines, 2015. Collection method: clinical testing. Allele origin: unknown.

Natera, Inc.
Classification: Uncertain significance for Autosomal recessive polycystic kidney disease. Last evaluated: 2018-11-08. Review status: no assertion criteria provided. Collection method: clinical testing. Allele origin: germline. Not counted in ClinVar's aggregate classification.

NM_138694.4(PKHD1):c.8356A>G (p.Met2786Val)

Gene: PKHD1 (PKHD1 ciliary IPT domain containing fibrocystin/polyductin; minus strand). Cytogenetic location: 6p12.3.
Variant type: single nucleotide variant.
Coding change: c.8356A>G on transcript NM_138694.4 (MANE Select); coding-DNA position 8356, A replaced by G.
Protein change: p.Met2786Val; replaces methionine 2786 with valine.
Molecular consequence: missense variant.
Genome position (GRCh38, 1-based): chr6:51,791,320, T>C on the plus strand (A>G on the coding strand, the complement: PKHD1 is on the minus strand). VCF-style: chr6-51791320-T-C. GRCh37 (hg19) VCF-style: chr6-51656118-T-C.
Other names: c.8356A>G, p.Met2786Val (NM_170724.3); short protein forms M2786V.
Identifiers: ClinVar variation 859139 (VCV000859139.13), dbSNP rs762313489, ClinGen allele CA3851655.